The following is an entry in ClinVar:

ClinVar aggregate classification (germline): Conflicting classifications of pathogenicity. Review status: criteria provided, conflicting classifications (1 of 4 stars). 2 submissions from 2 submitters: Uncertain significance (1); Likely benign (1). Last evaluated 2024-06-08.

Conditions:
Hereditary cancer-predisposing syndrome. Also called: Hereditary neoplastic syndrome; Tumor predisposition; Neoplastic Syndromes, Hereditary; Hereditary Cancer Syndrome. Identifiers: Orphanet 140162, MedGen C0027672, MeSH D009386, MONDO:0015356.

Allele frequency attached by ClinVar (database versions not stated): gnomAD exomes below 0.00001.
gnomAD v4.1: 2 of 1,614,136 alleles (0.00012%); highest among the groups gnomAD compares: Non-Finnish European, 0.00017%; no homozygotes.

Submissions (2):

Ambry Genetics
Classification: Likely benign for Hereditary cancer-predisposing syndrome. Last evaluated: 2024-06-08. Review status: criteria provided, single submitter. Criteria: Ambry Variant Classification Scheme 2023. Collection method: clinical testing. Allele origin: germline.

Sema4
Classification: Uncertain significance for Hereditary cancer-predisposing syndrome. Last evaluated: 2022-02-04. Review status: criteria provided, single submitter. Criteria: Sema4 Curation Guidelines. Collection method: curation. Allele origin: germline.
Comment: The XRCC2 c.375C>G (p.H125Q) variant has not been reported in the literature to our knowledge. This variant is not reported in the population database Genome Aggregation Database (PMID: 32461654). The variant has not been reported in ClinVar. In silico tools suggest the impact of the variant on protein function is benign, though these predictions have not been confirmed by functional studies. The evidence is insufficient to meet ACMG/AMP criteria for classifying the variant as benign or pathogenic. Thus, the clinical significance of this variant is currently uncertain.

NM_005431.2(XRCC2):c.375C>G (p.His125Gln)

Gene: XRCC2 (X-ray repair cross complementing 2; minus strand). Cytogenetic location: 7q36.1.
Variant type: single nucleotide variant.
Coding change: c.375C>G on transcript NM_005431.2 (MANE Select); coding-DNA position 375, C replaced by G.
Protein change: p.His125Gln; replaces histidine 125 with glutamine.
Molecular consequence: missense variant.
Genome position (GRCh38, 1-based): chr7:152,649,110, G>C on the plus strand (C>G on the coding strand, the complement: XRCC2 is on the minus strand). VCF-style: chr7-152649110-G-C. GRCh37 (hg19) VCF-style: chr7-152346195-G-C.
Other names: short protein forms H125Q.
Identifiers: ClinVar variation 1692899 (VCV001692899.2), dbSNP rs2116987965, ClinGen allele CA370198832.